The following is an entry in ClinVar:

NM_001348323.3(TRIP12):c.4838+2T>G

Gene: TRIP12 (thyroid hormone receptor interactor 12; minus strand). Cytogenetic location: 2q36.3.
Variant type: single nucleotide variant.
Coding change: c.4838+2T>G on transcript NM_001348323.3 (MANE Select); the canonical splice donor site of the intron after coding-DNA position 4838, T replaced by G.
Molecular consequence: splice donor variant.
Genome position (GRCh38, 1-based): chr2:229,788,796, A>C on the plus strand (T>G on the coding strand, the complement: TRIP12 is on the minus strand). VCF-style: chr2-229788796-A-C. GRCh37 (hg19) VCF-style: chr2-230653512-A-C.
Other names: c.3803+2T>G (NM_001284216.2); c.4613+2T>G (NM_004238.3); c.4616+2T>G (NM_001348331.1); c.4697+2T>G (NM_001348317.1, NM_001348318.2); c.4712+2T>G (NM_001284215.2, NM_001348316.2); c.4736+2T>G (NM_001348332.1); c.4757+2T>G (NM_001284214.2, NM_001348315.2); c.4823+2T>G (NM_001348319.1, NM_001348320.2); and 4 more.
Identifiers: ClinVar variation 998078 (VCV000998078.3), dbSNP rs2040714903, ClinGen allele CA350893366.

ClinVar aggregate classification (germline): Likely pathogenic (1 of 4 stars; one submission).

Conditions:
Clark-Baraitser syndrome. Also called: MENTAL RETARDATION, AUTOSOMAL DOMINANT 49; Intellectual disability, autosomal dominant 49; BARAITSER SYNDROME; Mental retardation, tall stature, obesity, macrocephaly and typical facial features. Identifiers: Orphanet 600731, MedGen C2931130, MONDO:0030914, OMIM 617752.

Submission:

Breda Genetics srl
Classification: Likely pathogenic for Clark-Baraitser syndrome. Last evaluated: 2021-01-22. Review status: criteria provided, single submitter. Criteria: ACMG Guidelines, 2015. Collection method: clinical testing. Allele origin: de novo. Inheritance: Autosomal dominant inheritance. Affected: yes. Observed: 1 variant allele, 1 heterozygote.
Comment: The variant c.4757+2T>G affects the donor splice site of intron 32 and is therefore highly likely to impact the splicing process by causing the retention of the following intron and the formation of an aberrant mRNA, which is unlikely to be exported and translated into protein. This variant has not been reported in dbSNP, gnomAD, 1000 Genomes Project or ClinVar. Pathogenic splicing mutations in the TRIP12 gene have been previously reported (ClinVar). Almost all pathogenic variants thus far reported are de novo (OMIM # 617752).